The following is an entry in ClinVar:

ClinVar aggregate classification (germline): Pathogenic. Review status: reviewed by expert panel (3 of 4 stars). 13 submissions from 13 submitters: Pathogenic (1). 12 of the submissions do not count toward it. Last evaluated 2016-09-08.

Conditions:
Hereditary breast ovarian cancer syndrome. Also called: Hereditary breast and ovarian cancer syndrome; Hereditary breast and ovarian cancer; Hereditary breast and ovarian cancer syndrome (HBOC); Breast and ovarian cancer; Hereditary breast and/or ovarian cancer syndrome; BRCA1- and BRCA2-Associated Hereditary Breast and Ovarian Cancer. Identifiers: Orphanet 145, MedGen C0677776, MeSH D061325, MONDO:0003582. Disease mechanism: loss of function.
Breast-ovarian cancer, familial, susceptibility to, 2 (BROVCA2). Also called: BRCA2 Hereditary Breast and Ovarian Cancer. Identifiers: Orphanet 145, MedGen C2675520, MONDO:0012933, OMIM 612555. Disease mechanism: loss of function.
Hereditary cancer-predisposing syndrome. Also called: Neoplastic Syndromes, Hereditary; Tumor predisposition; Hereditary neoplastic syndrome; Hereditary Cancer Syndrome. Identifiers: Orphanet 140162, MedGen C0027672, MeSH D009386, MONDO:0015356.

Submissions (13):

Evidence-based Network for the Interpretation of Germline Mutant Alleles (ENIGMA)
Classification: Pathogenic for Breast-ovarian cancer, familial, susceptibility to, 2. Last evaluated: 2016-09-08. Review status: reviewed by expert panel. Criteria: ENIGMA BRCA1/2 Classification Criteria (2015). Collection method: curation. Allele origin: germline.
Comment: Variant allele predicted to encode a truncated non-functional protein.

Labcorp Genetics (formerly Invitae), Labcorp
Classification: Pathogenic for Hereditary breast ovarian cancer syndrome. Last evaluated: 2025-10-26. Review status: criteria provided, single submitter. Criteria: Invitae Variant Classification Sherloc (09022015). Collection method: clinical testing. Allele origin: germline. Not counted in ClinVar's aggregate classification.
Comment: This sequence change creates a premature translational stop signal (p.Thr1647Serfs*18) in the BRCA2 gene. It is expected to result in an absent or disrupted protein product. Loss-of-function variants in BRCA2 are known to be pathogenic (PMID: 20104584). This variant is not present in population databases (gnomAD no frequency). This premature translational stop signal has been observed in individual(s) with male breast cancer and a family history of breast and prostate cancer (PMID: 11920621, 28008555). This variant is also known as 5168delCA. ClinVar contains an entry for this variant (Variation ID: 51746). For these reasons, this variant has been classified as Pathogenic.

Ambry Genetics
Classification: Pathogenic for Hereditary cancer-predisposing syndrome. Last evaluated: 2025-05-01. Review status: criteria provided, single submitter. Criteria: Ambry Variant Classification Scheme 2023. Collection method: clinical testing. Allele origin: germline. Not counted in ClinVar's aggregate classification.
Comment: The c.4940_4941delCA pathogenic mutation, located in coding exon 10 of the BRCA2 gene, results from a deletion of two nucleotides at nucleotide positions 4940 to 4941, causing a translational frameshift with a predicted alternate stop codon (p.T1647Sfs*18). In addition to the clinical data presented in the literature, this alteration is expected to result in loss of function by premature protein truncation or nonsense-mediated mRNA decay. As such, this alteration is interpreted as a disease-causing mutation.

Women's Health and Genetics/Laboratory Corporation of America, LabCorp
Classification: Pathogenic for Hereditary breast ovarian cancer syndrome. Last evaluated: 2025-04-11. Review status: criteria provided, single submitter. Criteria: LabCorp Variant Classification Summary - May 2015. Collection method: clinical testing. Allele origin: germline. Not counted in ClinVar's aggregate classification.
Comment: Variant summary: BRCA2 c.4940_4941delCA (p.Thr1647SerfsX18) results in a premature termination codon, predicted to cause a truncation of the encoded protein or absence of the protein due to nonsense mediated decay, which are commonly known mechanisms for disease. The variant was absent in 243500 control chromosomes. c.4940_4941delCA has been observed in individual(s) affected with Hereditary Breast And Ovarian Cancer Syndrome (example: Pritzlaff_2017). To our knowledge, no experimental evidence demonstrating an impact on protein function has been reported. The following publication have been ascertained in the context of this evaluation (PMID: 28008555). ClinVar contains an entry for this variant (Variation ID: 51746). Based on the evidence outlined above, the variant was classified as pathogenic.

Mayo Clinic Laboratories, Mayo Clinic
Classification: Pathogenic. Last evaluated: 2023-08-28. Review status: criteria provided, single submitter. Criteria: ACMG Guidelines, 2015. Collection method: clinical testing. Allele origin: germline. Observed: 1 variant allele. Not counted in ClinVar's aggregate classification.
Comment: PM2, PM5_strong, PVS1

GeneDx
Classification: Pathogenic. Last evaluated: 2022-11-14. Review status: criteria provided, single submitter. Criteria: GeneDx Variant Classification Process June 2021. Collection method: clinical testing. Allele origin: germline. Affected: yes. Not counted in ClinVar's aggregate classification.
Comment: Frameshift variant predicted to result in protein truncation or nonsense mediated decay in a gene for which loss of function is a known mechanism of disease; Truncating variants in this gene are considered pathogenic by a well-established clinical consortium and/or database; Not observed at significant frequency in large population cohorts (gnomAD); Observed in individuals with a personal or family history consistent with pathogenic variants in this gene (De Leon et al., 2002; Pritzlaff et al., 2017; Lerner-Ellis et al., 2021); This variant is associated with the following publications: (PMID: 21305653, 11920621, 28008555, 28152038, 32885271, 31853058)

Revvity Omics, Revvity
Classification: Pathogenic. Last evaluated: 2022-10-17. Review status: criteria provided, single submitter. Criteria: ACMG Guidelines, 2015. Collection method: clinical testing. Allele origin: germline. Not counted in ClinVar's aggregate classification.

Clinical Genetics Laboratory, Skane University Hospital Lund
Classification: Pathogenic. Last evaluated: 2022-05-27. Review status: criteria provided, single submitter. Criteria: ACMG Guidelines, 2015. Collection method: clinical testing. Allele origin: germline. Affected: yes. Not counted in ClinVar's aggregate classification.

Consortium of Investigators of Modifiers of BRCA1/2 (CIMBA), c/o University of Cambridge
Classification: Pathogenic for Breast-ovarian cancer, familial, susceptibility to, 2. Last evaluated: 2015-10-02. Review status: criteria provided, single submitter. Criteria: CIMBA Mutation Classification guidelines May 2016. Collection method: clinical testing. Allele origin: germline. Not counted in ClinVar's aggregate classification.

BRCAlab, Lund University
Classification: Pathogenic for Breast-ovarian cancer, familial, susceptibility to, 2. Last evaluated: 2020-03-02. Review status: no assertion criteria provided. Collection method: clinical testing. Allele origin: germline. Affected: yes. Not counted in ClinVar's aggregate classification.

Research Molecular Genetics Laboratory, Women's College Hospital, University of Toronto
Classification: Pathogenic for Hereditary breast ovarian cancer syndrome. Last evaluated: 2014-01-31. Review status: no assertion criteria provided. Collection method: research. Allele origin: germline. Affected: yes. Study: The Canadian Open Genetics Repository (COGR). Not counted in ClinVar's aggregate classification.

Sharing Clinical Reports Project (SCRP)
Classification: Pathogenic for Breast-ovarian cancer, familial 2. Last evaluated: 2010-09-22. Review status: no assertion criteria provided. Collection method: clinical testing. Allele origin: germline. Not counted in ClinVar's aggregate classification.

Department of Pathology and Laboratory Medicine, Sinai Health System
Classification: Pathogenic for Breast-ovarian cancer, familial, susceptibility to, 2. Review status: no assertion criteria provided. Collection method: clinical testing. Allele origin: unknown. Affected: yes. Observed: 1 variant allele. Study: The Canadian Open Genetics Repository (COGR). Not counted in ClinVar's aggregate classification.
Comment: The BRCA2 p.Thr1647Serfs*18 variant was identified in 2 of 2018 proband chromosomes (frequency: 0.001) from individuals or families with breast cancer, including male breast cancer (Pritzlaff 2016, De Leon Matsuda 2002). The variant was also identified in dbSNP (ID: rs397507751) as â€šÃ„ÃºWith Pathogenic alleleâ€šÃ„Ã¹, ClinVar (classified as pathogenic by ENIGMA, GeneDx, Ambry Genetics, CIMBA, SCRP, and COGR), and LOVD 3.0 (4x as pathogenic). The variant was not identified in UMD-LSDB, the Exome Aggregation Consortium (August 8th 2016) or the Genome Aggregation Database (Feb 27, 2017). The c.4940_4941del variant is predicted to cause a frameshift, which alters the protein's amino acid sequence beginning at codon 1647 and leads to a premature stop codon 18 codons downstream. This alteration is then predicted to result in a truncated or absent protein and loss of function. Loss of function variants of the BRCA2 gene are an established mechanism of disease in hereditary breast and ovarian cancer (HBOC) and is the type of variant expected to cause the disorder. In summary, based on the above information, this variant meets our laboratoryâ€šÃ„Ã´s criteria to be classified as pathogenic.

Literature cited by the submitters: PubMed 20104584 (cited by Labcorp Genetics (formerly Invitae), Labcorp); PubMed 11920621 (cited by 3 submitters); PubMed 28008555 (cited by 4 submitters).

NM_000059.4(BRCA2):c.4940_4941del (p.Thr1647fs)

Gene: BRCA2 (BRCA2 DNA repair associated; plus strand). Cytogenetic location: 13q13.1.
Variant type: Deletion.
Coding change: c.4940_4941del on transcript NM_000059.4 (MANE Select); coding-DNA positions 4940 to 4941, 2 bases deleted (CA; older notation c.4940_4941delCA).
Protein change: p.Thr1647fs; shifts the reading frame from threonine 1647.
Molecular consequence: frameshift variant.
Genome position (GRCh38, 1-based): chr13:32,339,295-32,339,296, CA deleted; deleting any 2 consecutive bases within chr13:32,339,294-32,339,296 gives the same sequence; the c. name uses the placement nearest the transcript's 3' end. VCF-style (leftmost placement, unchanged base first): chr13-32339293-AAC-A. GRCh37 (hg19) VCF-style: chr13-32913430-AAC-A.
Other names: p.Thr1647Serfs*18; 5168delCA; c.4940_4941delCA (NM_000059.3).
Identifiers: ClinVar variation 51746 (VCV000051746.27), dbSNP rs397507751, ClinGen allele CA021044.